The following is an entry in ClinVar:

NM_032043.3(BRIP1):c.3084T>C (p.Asn1028=)

Gene: BRIP1 (BRCA1 interacting DNA helicase 1; minus strand). Cytogenetic location: 17q23.2.
Variant type: single nucleotide variant.
Coding change: c.3084T>C on transcript NM_032043.3 (MANE Select); coding-DNA position 3084, T replaced by C.
Protein change: p.Asn1028=; no amino-acid change (asparagine 1028 retained).
Molecular consequence: synonymous variant.
Genome position (GRCh38, 1-based): chr17:61,683,962, A>G on the plus strand (T>C on the coding strand, the complement: BRIP1 is on the minus strand). VCF-style: chr17-61683962-A-G. GRCh37 (hg19) VCF-style: chr17-59761323-A-G.
Identifiers: ClinVar variation 461136 (VCV000461136.19), dbSNP rs1424179519, ClinGen allele CA501335457.

ClinVar aggregate classification (germline): Benign/Likely benign. Review status: criteria provided, multiple submitters, no conflicts (2 of 4 stars). 4 submissions from 4 submitters: Benign (1); Likely benign (3). Last evaluated 2025-10-13.

Conditions:
Familial ovarian cancer. Identifiers: MedGen C5679802, MONDO:0016248.
Hereditary cancer-predisposing syndrome. Also called: Hereditary neoplastic syndrome; Neoplastic Syndromes, Hereditary; Tumor predisposition; Hereditary Cancer Syndrome. Identifiers: Orphanet 140162, MedGen C0027672, MeSH D009386, MONDO:0015356.
Fanconi anemia complementation group J. Also called: BRIP1-Related Fanconi Anemia. Identifiers: Orphanet 84, MedGen C1836860, MONDO:0012187, OMIM 609054.
Familial cancer of breast. Also called: BREAST CANCER, FAMILIAL; hereditary breast carcinoma; Hereditary breast cancer. Identifiers: Orphanet 227535, MedGen C0346153, MONDO:0016419, OMIM 114480. Disease mechanism: loss of function.

Allele frequency attached by ClinVar (database versions not stated): gnomAD exomes below 0.00001.
gnomAD v4.1: 29 of 1,614,190 alleles (0.0018%); highest among the groups gnomAD compares: Non-Finnish European, 0.0024%; no homozygotes.

Submissions (4):

Labcorp Genetics (formerly Invitae), Labcorp
Classification: Likely benign for Familial cancer of breast; Fanconi anemia complementation group J. Last evaluated: 2025-10-13. Review status: criteria provided, single submitter. Criteria: Invitae Variant Classification Sherloc (09022015). Collection method: clinical testing. Allele origin: germline.

Myriad Genetics, Inc.
Classification: Benign for Familial cancer of breast. Last evaluated: 2024-09-09. Review status: criteria provided, single submitter. Criteria: Myriad Autosomal Dominant, Autosomal Recessive and X-Linked Classification Criteria (2023). Collection method: clinical testing. Allele origin: unknown.
Comment: This variant is considered benign. This variant is a silent/synonymous amino acid change and it is not expected to impact splicing.

Department of Pathology and Laboratory Medicine, Sinai Health System
Classification: Likely benign for familial ovarian cancer. Last evaluated: 2022-07-15. Review status: criteria provided, single submitter. Criteria: ACMG Guidelines, 2015. Collection method: clinical testing. Allele origin: germline. Affected: no.

Ambry Genetics
Classification: Likely benign for Hereditary cancer-predisposing syndrome. Last evaluated: 2016-06-23. Review status: criteria provided, single submitter. Criteria: Ambry Variant Classification Scheme 2023. Collection method: clinical testing. Allele origin: germline.